The following is an entry in ClinVar:

NM_022098.4(XPNPEP3):c.700C>T (p.Arg234Trp)

Gene: XPNPEP3 (X-prolyl aminopeptidase 3; plus strand). Cytogenetic location: 22q13.2.
Variant type: single nucleotide variant.
Coding change: c.700C>T on transcript NM_022098.4 (MANE Select); coding-DNA position 700, C replaced by T.
Protein change: p.Arg234Trp; replaces arginine 234 with tryptophan.
Molecular consequence: missense variant.
Genome position (GRCh38, 1-based): chr22:40,886,423, C>T. VCF-style: chr22-40886423-C-T. GRCh37 (hg19) VCF-style: chr22-41282427-C-T.
Other names: short protein forms R234W.
Identifiers: ClinVar variation 2055867 (VCV002055867.1), dbSNP rs372494628, ClinGen allele CA10251697.

ClinVar aggregate classification (germline): Uncertain significance (1 of 4 stars; one submission).

Conditions:
Nephronophthisis-like nephropathy 1 (NPHPL1). Identifiers: Orphanet 655, MedGen C3150419, MONDO:0013163, OMIM 613159.

Allele frequency attached by ClinVar (database versions not stated): gnomAD exomes below 0.00001; ExAC 0.00002; gnomAD 0.00002; TOPMed 0.00002; ESP Exome Variant Server 0.00008.
gnomAD v4.1: 9 of 1,614,040 alleles (0.00056%); highest among the groups gnomAD compares: Admixed American, 0.005%; no homozygotes.

Submission:

Labcorp Genetics (formerly Invitae), Labcorp
Classification: Uncertain significance for Nephronophthisis-like nephropathy 1. Last evaluated: 2022-08-21. Review status: criteria provided, single submitter. Criteria: Invitae Variant Classification Sherloc (09022015). Collection method: clinical testing. Allele origin: germline.
Comment: This sequence change replaces arginine, which is basic and polar, with tryptophan, which is neutral and slightly polar, at codon 234 of the XPNPEP3 protein (p.Arg234Trp). This variant is present in population databases (rs372494628, gnomAD 0.009%). This variant has not been reported in the literature in individuals affected with XPNPEP3-related conditions. Algorithms developed to predict the effect of missense changes on protein structure and function are either unavailable or do not agree on the potential impact of this missense change (SIFT: "Deleterious"; PolyPhen-2: "Benign"; Align-GVGD: "Class C0"). In summary, the available evidence is currently insufficient to determine the role of this variant in disease. Therefore, it has been classified as a Variant of Uncertain Significance.